The following is an entry in ClinVar:

NM_001288705.3(CSF1R):c.631G>A (p.Glu211Lys)

Genes: CSF1R (colony stimulating factor 1 receptor; minus strand), LOC111188154 (RORalpha allelically-responsive CSF1R enhancer; plus strand). Cytogenetic location: 5q32.
Variant type: single nucleotide variant.
Coding change: c.631G>A on transcript NM_001288705.3 (MANE Select); coding-DNA position 631, G replaced by A.
Protein change: p.Glu211Lys; replaces glutamic acid 211 with lysine.
Molecular consequence: missense variant. On other transcripts: non-coding transcript variant (2).
Genome position (GRCh38, 1-based): chr5:150,078,210, C>T on the plus strand (G>A on the coding strand, the complement: CSF1R is on the minus strand). VCF-style: chr5-150078210-C-T. GRCh37 (hg19) VCF-style: chr5-149457773-C-T.
Other names: c.631G>A, p.Glu211Lys (NM_001349736.2, NM_001375320.1, NM_005211.4); c.187G>A, p.Glu63Lys (NM_001375321.1); short protein forms E211K, E63K.
Identifiers: ClinVar variation 1309482 (VCV001309482.2), dbSNP rs1263399030, ClinGen allele CA361730368.

ClinVar aggregate classification (germline): Uncertain significance (1 of 4 stars; one submission).

Submission:

GeneDx
Classification: Uncertain significance. Last evaluated: 2019-10-24. Review status: criteria provided, single submitter. Criteria: GeneDx Variant Classification Process June 2021. Collection method: clinical testing. Allele origin: germline. Affected: yes.
Comment: Has not been previously published as pathogenic or benign to our knowledge; Not observed in large population cohorts (Lek et al., 2016); In silico analysis, which includes protein predictors and evolutionary conservation, supports that this variant does not alter protein structure/function